The following is an entry in ClinVar:

ClinVar aggregate classification (germline): Uncertain significance. Review status: criteria provided, multiple submitters, no conflicts (2 of 4 stars). 2 submissions from 2 submitters: Uncertain significance (2). Last evaluated 2024-02-15.

Conditions:
Atrial fibrillation, familial, 7 (ATFB7). Identifiers: MedGen C2677106, MONDO:0012828, OMIM 612240.

Allele frequency attached by ClinVar (database versions not stated): gnomAD 0.00001 and 0.00002; gnomAD exomes 0.00001 and 0.00002; TOPMed 0.00001; ExAC 0.00002; 1000 Genomes Project 30x 0.00016; 1000 Genomes Project 0.00020.

Submissions (2):

Blueprint Genetics
Classification: Uncertain significance. Last evaluated: 2024-02-15. Review status: criteria provided, single submitter. Criteria: ACMG Guidelines, 2015. Collection method: clinical testing. Allele origin: germline.

Labcorp Genetics (formerly Invitae), Labcorp
Classification: Uncertain significance for Atrial fibrillation, familial, 7. Last evaluated: 2020-05-06. Review status: criteria provided, single submitter. Criteria: Invitae Variant Classification Sherloc (09022015). Collection method: clinical testing. Allele origin: germline.
Comment: In summary, the available evidence is currently insufficient to determine the role of this variant in disease. Therefore, it has been classified as a Variant of Uncertain Significance. Algorithms developed to predict the effect of missense changes on protein structure and function are either unavailable or do not agree on the potential impact of this missense change (SIFT: "Deleterious"; PolyPhen-2: "Possibly Damaging"; Align-GVGD: "Class C0"). This variant has not been reported in the literature in individuals with KCNA5-related conditions. This variant is present in population databases (rs200813950, ExAC 0.003%). This sequence change replaces glycine with alanine at codon 206 of the KCNA5 protein (p.Gly206Ala). The glycine residue is highly conserved and there is a small physicochemical difference between glycine and alanine.

NM_002234.4(KCNA5):c.617G>C (p.Gly206Ala)

Gene: KCNA5 (potassium voltage-gated channel subfamily A member 5; plus strand). Cytogenetic location: 12p13.32.
Variant type: single nucleotide variant.
Coding change: c.617G>C on transcript NM_002234.4 (MANE Select); coding-DNA position 617, G replaced by C.
Protein change: p.Gly206Ala; replaces glycine 206 with alanine.
Molecular consequence: missense variant.
Genome position (GRCh38, 1-based): chr12:5,044,764, G>C. VCF-style: chr12-5044764-G-C. GRCh37 (hg19) VCF-style: chr12-5153930-G-C.
Other names: short protein forms G206A.
Identifiers: ClinVar variation 1011111 (VCV001011111.10), dbSNP rs200813950, ClinGen allele CA6399672.